The following is an entry in ClinVar:

ClinVar aggregate classification (germline): Uncertain significance (1 of 4 stars; one submission).

Conditions:
Atypical hemolytic-uremic syndrome. Identifiers: Orphanet 2134, MedGen C2931788, MONDO:0016244.

Submission:

Genomenon, Inc
Classification: Uncertain significance for Atypical hemolytic-uremic syndrome. Last evaluated: 2025-10-02. Review status: criteria provided, single submitter. Criteria: Genomenon Sequence Variant Interpretation Standards - Updated. Collection method: curation. Allele origin: germline. Affected: yes.
Comment: CFH p.Lys896_Thr900del (c.2686_2700del) is an in-frame deletion variant that results in the deletion of multiple amino acids, from Lysine at residue 896 to Threonine at residue 900. This variant has been reported in at least one proband with atypical hemolytic uremic syndrome (PMID:16621965;36845135). It is absent or not present at a significant frequency in gnomAD. In conclusion, we classify CFH p.Lys896_Thr900del (c.2686_2700del) as a variant of uncertain significance.

Literature cited by the submitters: PubMed 16621965; PubMed 36845135.

NM_000186.4(CFH):c.2686_2700del (p.Lys896_Thr900del)

Gene: CFH (complement factor H; plus strand). Cytogenetic location: 1q31.3.
Variant type: Deletion.
Coding change: c.2686_2700del on transcript NM_000186.4 (MANE Select); coding-DNA positions 2686 to 2700, 15 bases deleted (AAATTGAGTTATACT).
Protein change: p.Lys896_Thr900del.
Molecular consequence: inframe deletion.
Genome position (GRCh38, 1-based): chr1:196,737,564-196,737,578, AAATTGAGTTATACT deleted; deleting any 15 consecutive bases within chr1:196,737,561-196,737,578 gives the same sequence; the c. name uses the placement nearest the transcript's 3' end. VCF-style (leftmost placement, unchanged base first): chr1-196737560-GACTAAATTGAGTTAT-G. GRCh37 (hg19) VCF-style: chr1-196706690-GACTAAATTGAGTTAT-G.
Identifiers: ClinVar variation 4291502 (VCV004291502.1).
Genomic context (GRCh38, chr1:196,737,560, plus strand): 5'-TCAGATAGAACACGGAACCATTAATTCATCCAGGTCTTCACAAGAAAGTTATGCACATGG[GACTAAATTGAGTTAT>G]ACTTGTGAGGGTGGTTTCAGGATATCTGAAGAAAATGAAACAACATGCTACATGGGAAAA-3'